The following is an entry in ClinVar:

ClinVar aggregate classification (germline): Uncertain significance (0 of 4 stars; one submission).

Conditions:
IFT74-related disorder. Also called: IFT74-related condition; IFT74-Related Disorders.

gnomAD v4.1: 3 of 1,592,218 alleles (0.00019%); highest among the groups gnomAD compares: Non-Finnish European, 0.00017%; no homozygotes.

Submission:

PreventionGenetics, part of Exact Sciences
Classification: Uncertain significance for IFT74-related condition. Last evaluated: 2024-08-28. Review status: no assertion criteria provided. Collection method: clinical testing. Allele origin: germline.
Comment: The IFT74 c.1385A>G variant is predicted to result in the amino acid substitution p.Lys462Arg. To our knowledge, this variant has not been reported in the literature. This variant is reported in 0.00094% of alleles in individuals of European (Non-Finnish) descent in gnomAD. At this time, the clinical significance of this variant is uncertain due to the absence of conclusive functional and genetic evidence.

NM_025103.4(IFT74):c.1385A>G (p.Lys462Arg)

Gene: IFT74 (intraflagellar transport 74; plus strand). Cytogenetic location: 9p21.2.
Variant type: single nucleotide variant.
Coding change: c.1385A>G on transcript NM_025103.4 (MANE Select); coding-DNA position 1385, A replaced by G.
Protein change: p.Lys462Arg; replaces lysine 462 with arginine.
Molecular consequence: missense variant.
Genome position (GRCh38, 1-based): chr9:27,055,660, A>G. VCF-style: chr9-27055660-A-G. GRCh37 (hg19) VCF-style: chr9-27055658-A-G.
Other names: c.1385A>G, p.Lys462Arg (NM_001099222.3, NM_001099223.3, NM_001349928.2); short protein forms K462R.
Identifiers: ClinVar variation 3345329 (VCV003345329.1).